The following is an entry in ClinVar:

ClinVar aggregate classification (germline): Uncertain significance (1 of 4 stars; one submission).

Conditions:
Charcot-Marie-Tooth disease dominant intermediate B (CMTDIB). Also called: CHARCOT-MARIE-TOOTH NEUROPATHY, DOMINANT INTERMEDIATE B; Charcot-Marie-Tooth disease dominant intermediate 1; CMT DI1; Charcot-Marie-Tooth disease dominant intermediate I. Identifiers: Orphanet 100044, Orphanet 228179, MedGen C1847902, MONDO:0011674, OMIM 606482.

Submission:

Labcorp Genetics (formerly Invitae), Labcorp
Classification: Uncertain significance for Charcot-Marie-Tooth disease dominant intermediate B. Last evaluated: 2022-03-05. Review status: criteria provided, single submitter. Criteria: Invitae Variant Classification Sherloc (09022015). Collection method: clinical testing. Allele origin: germline.
Comment: This sequence change affects the initiator methionine of the DNM2 mRNA. The next in-frame methionine is located at codon 6. This variant is not present in population databases (gnomAD no frequency). This variant has not been reported in the literature in individuals affected with DNM2-related conditions. Experimental studies and prediction algorithms are not available or were not evaluated, and the functional significance of this variant is currently unknown. In summary, the available evidence is currently insufficient to determine the role of this variant in disease. Therefore, it has been classified as a Variant of Uncertain Significance.

NM_001005361.3(DNM2):c.3G>T (p.Met1Ile)

Genes: DNM2 (dynamin 2; plus strand), LOC130063529 (ATAC-STARR-seq lymphoblastoid silent region 10090; plus strand). Cytogenetic location: 19p13.2.
Variant type: single nucleotide variant.
Coding change: c.3G>T on transcript NM_001005361.3 (MANE Select); coding-DNA position 3, G replaced by T.
Protein change: p.Met1Ile; changes the start codon (methionine 1).
Molecular consequence: missense variant, initiator codon variant.
Genome position (GRCh38, 1-based): chr19:10,718,245, G>T. VCF-style: chr19-10718245-G-T. GRCh37 (hg19) VCF-style: chr19-10828921-G-T.
Other names: c.3G>T, p.Met1Ile (NM_001005360.3, NM_001005362.3, NM_001190716.2 and 1 more transcripts); short protein forms M1I.
Identifiers: ClinVar variation 1952219 (VCV001952219.6), dbSNP rs2512931214, ClinGen allele CA404046333.
Genomic context (GRCh38, chr19:10,718,245, plus strand): 5'-TTGAGGGTCGGCGGCGGGCGAGGAGCGCAGGGCGCTCGGGCCGGGGGCCGCCGGCGCCAT[G>T]GGCAACCGCGGGATGGAAGAGCTGATCCCGCTGGTCAACAAACTGCAGGACGCCTTCAGC-3'
Protein context (NP_001005361.1, residues 1-11): [Met1Ile]GNRGMEELIP